The following is an entry in ClinVar:

ClinVar aggregate classification (germline): Uncertain significance (1 of 4 stars; one submission).

Conditions:
Ehlers-Danlos syndrome, classic type, 1 (EDSCL1). Also called: EHLERS-DANLOS SYNDROME, GRAVIS TYPE; EHLERS-DANLOS SYNDROME, SEVERE CLASSIC TYPE; Ehlers-Danlos syndrome, type 1; Ehlers-Danlos Syndrome, Classic Type, COL5A1-Related; EDS I. Identifiers: MedGen C0268335, MONDO:0019567, OMIM 130000.
Osteogenesis imperfecta type I (OI1). Also called: OI, TYPE I; OSTEOGENESIS IMPERFECTA TARDA; OSTEOGENESIS IMPERFECTA WITH BLUE SCLERAE; Osteogenesis imperfecta type 1; Lobstein's Disease; Lobstein disease. Identifiers: Orphanet 216796, Orphanet 666, MedGen C0023931, MONDO:0008146, OMIM 166200. Disease mechanism: loss of function.

gnomAD v4.1: 1 of 1,613,628 alleles (0.000062%); highest among the groups gnomAD compares: Non-Finnish European, 0.000085%; no homozygotes.

Submission:

Labcorp Genetics (formerly Invitae), Labcorp
Classification: Uncertain significance for Osteogenesis imperfecta type I; Ehlers-Danlos syndrome, classic type, 1. Last evaluated: 2025-03-12. Review status: criteria provided, single submitter. Criteria: Invitae Variant Classification Sherloc (09022015). Collection method: clinical testing. Allele origin: germline.
Comment: This sequence change replaces leucine, which is neutral and non-polar, with phenylalanine, which is neutral and non-polar, at codon 73 of the COL1A2 protein (p.Leu73Phe). This variant is not present in population databases (gnomAD no frequency). This variant has not been reported in the literature in individuals affected with COL1A2-related conditions. Invitae Evidence Modeling of protein sequence and biophysical properties (such as structural, functional, and spatial information, amino acid conservation, physicochemical variation, residue mobility, and thermodynamic stability) indicates that this missense variant is not expected to disrupt COL1A2 protein function with a negative predictive value of 80%. In summary, the available evidence is currently insufficient to determine the role of this variant in disease. Therefore, it has been classified as a Variant of Uncertain Significance.

NM_000089.4(COL1A2):c.217C>T (p.Leu73Phe)

Gene: COL1A2 (collagen type I alpha 2 chain; plus strand). Cytogenetic location: 7q21.3.
Variant type: single nucleotide variant.
Coding change: c.217C>T on transcript NM_000089.4 (MANE Select); coding-DNA position 217, C replaced by T.
Protein change: p.Leu73Phe; replaces leucine 73 with phenylalanine.
Molecular consequence: missense variant.
Genome position (GRCh38, 1-based): chr7:94,400,280, C>T. VCF-style: chr7-94400280-C-T. GRCh37 (hg19) VCF-style: chr7-94029592-C-T.
Other names: short protein forms L73F.
Identifiers: ClinVar variation 3749642 (VCV003749642.2).